The following is an entry in ClinVar:

ClinVar aggregate classification (germline): Benign. Review status: criteria provided, multiple submitters, no conflicts (2 of 4 stars). 3 submissions from 2 submitters: Benign (3). Last evaluated 2021-05-14.

Conditions:
Susceptibility to mononeuropathy of the median nerve, mild. Also called: CARPAL TUNNEL SYNDROME, SUSCEPTIBILITY TO. Identifiers: MedGen C3150596, MONDO:0013237, OMIM 613353.
Charcot-Marie-Tooth disease type 4C (CMT4C). Also called: CHARCOT-MARIE-TOOTH DISEASE, DEMYELINATING, AUTOSOMAL RECESSIVE, TYPE 4C; CMT 4C; Charcot-Marie-Tooth Neuropathy Type 4C (CMT4C); CHARCOT-MARIE-TOOTH DISEASE, DEMYELINATING, TYPE 4C; SH3TC2-Related Hereditary Motor and Sensory Neuropathy. Identifiers: Orphanet 99949, MedGen C1866636, MONDO:0011113, OMIM 601596.

Allele frequency attached by ClinVar (database versions not stated): 1000 Genomes Project 0.20347; 1000 Genomes Project 30x 0.20518; TOPMed 0.22740; gnomAD 0.22964 and 0.23360; gnomAD exomes 0.57143.
gnomAD v4.1: 34,958 of 152,138 alleles (23%); highest among the groups gnomAD compares: African/African-American, 32%; 4,541 homozygotes.

Submissions (6):

GeneDx
Classification: Benign. Last evaluated: 2021-05-14. Review status: criteria provided, single submitter. Criteria: GeneDx Variant Classification Process June 2021. Collection method: clinical testing. Allele origin: germline. Affected: yes.

Illumina Laboratory Services, Illumina
Classification: Benign for Charcot-Marie-Tooth disease type 4C. Last evaluated: 2018-01-12. Review status: criteria provided, single submitter. Criteria: ICSL Variant Classification Criteria 13 December 2019. Collection method: clinical testing. Allele origin: germline.
Comment: This variant was observed in the ICSL laboratory as part of a predisposition screen in an ostensibly healthy population. It had not been previously curated by ICSL or reported in the Human Gene Mutation Database (HGMD: prior to June 1st, 2018), and was therefore a candidate for classification through an automated scoring system. Utilizing variant allele frequency, disease prevalence and penetrance estimates, and inheritance mode, an automated score was calculated to assess if this variant is too frequent to cause the disease. Based on the score and internal cut-off values, a variant classified as benign is not then subjected to further curation. The score for this variant resulted in a classification of benign for this disease.

Illumina Laboratory Services, Illumina
Classification: Benign for Susceptibility to mononeuropathy of the median nerve, mild. Last evaluated: 2018-01-12. Review status: criteria provided, single submitter. Criteria: ICSL Variant Classification Criteria 13 December 2019. Collection method: clinical testing. Allele origin: germline.
Comment: the same text as in the submission from Illumina Laboratory Services, Illumina above.

Dr. Peter K. Rogan Lab, Western University
No classification provided (evidence only). Condition: Ovarian serous cystadenocarcinoma. Review status: no classification provided. Collection method: in vitro. Allele origin: not applicable. Functional consequence: retained intron. Not counted in ClinVar's aggregate classification.

Dr. Peter K. Rogan Lab, Western University
No classification provided (evidence only). Condition: Ovarian serous cystadenocarcinoma. Review status: no classification provided. Collection method: in vitro. Allele origin: not applicable. Functional consequence: retained intron. Not counted in ClinVar's aggregate classification.

Dr. Peter K. Rogan Lab, Western University
No classification provided (evidence only). Condition: Ovarian serous cystadenocarcinoma. Review status: no classification provided. Collection method: in vitro. Allele origin: not applicable. Functional consequence: retained intron. Not counted in ClinVar's aggregate classification.

NM_024577.4(SH3TC2):c.*1909G>T

Gene: SH3TC2 (SH3 domain and tetratricopeptide repeats 2; minus strand). Cytogenetic location: 5q32.
Variant type: single nucleotide variant.
Coding change: c.*1909G>T on transcript NM_024577.4 (MANE Select); 1909 bases downstream of the stop codon, G replaced by T.
Molecular consequence: 3 prime UTR variant.
Genome position (GRCh38, 1-based): chr5:149,002,802, C>A on the plus strand (G>T on the coding strand, the complement: SH3TC2 is on the minus strand). VCF-style: chr5-149002802-C-A. GRCh37 (hg19) VCF-style: chr5-148382365-C-A.
Other names: NC_000005.9:g.148382365C>A.
Identifiers: ClinVar variation 351866 (VCV000351866.8), dbSNP rs998304, ClinGen allele CA10620721.
Genomic context (GRCh38, chr5:149,002,802, plus strand): 5'-ACCACCTGCATCAGGCTTGCTTGAGTTGCTTTCTAAAAATGCATGTTCCTGGGATACATC[C>A]CAGATCTACTGAATCAGAATTATTAGAGATAGAAACCAAGAAGTTCATGTTCCACAACCT-3'